The following is an entry in ClinVar:

NM_000051.4(ATM):c.6680G>T (p.Arg2227Leu)

Genes: ATM (ATM serine/threonine kinase; plus strand), C11orf65 (chromosome 11 open reading frame 65; minus strand). Cytogenetic location: 11q22.3.
Variant type: single nucleotide variant.
Coding change: c.6680G>T on transcript NM_000051.4 (MANE Select); coding-DNA position 6680, G replaced by T.
Protein change: p.Arg2227Leu; replaces arginine 2227 with leucine.
Molecular consequence: missense variant. On other transcripts: intron variant (2).
Genome position (GRCh38, 1-based): chr11:108,325,417, G>T. VCF-style: chr11-108325417-G-T. GRCh37 (hg19) VCF-style: chr11-108196144-G-T.
Other names: c.6680G>T, p.Arg2227Leu (NM_001351834.2); c.641-16346C>A (NM_001330368.2); c.*38+9803C>A (NM_001351110.2); short protein forms R2227L.
Identifiers: ClinVar variation 3326530 (VCV003326530.1).
Genomic context (GRCh38, chr11:108,325,417, plus strand): 5'-AACACTCCCAGCTTCTCAAGGACAGTGATTTTAGTTTTCAGGAGCCTATCATGGCTCTAC[G>T]CACAGTCATTTTGGAGATCCTGATGGAAAAGGAAATGGACAACTCACAAAGAGAATGTAT-3'
Protein context (NP_000042.3, residues 2217-2237): FSFQEPIMAL[Arg2227Leu]TVILEILMEK

ClinVar aggregate classification (germline): Uncertain significance (1 of 4 stars; one submission).

Conditions:
Hereditary cancer-predisposing syndrome. Also called: Neoplastic Syndromes, Hereditary; Tumor predisposition; Hereditary Cancer Syndrome; Hereditary neoplastic syndrome. Identifiers: Orphanet 140162, MedGen C0027672, MeSH D009386, MONDO:0015356.

Submission:

Ambry Genetics
Classification: Uncertain significance for Hereditary cancer-predisposing syndrome. Last evaluated: 2024-06-18. Review status: criteria provided, single submitter. Criteria: Ambry Variant Classification Scheme 2023. Collection method: clinical testing. Allele origin: germline.
Comment: The p.R2227L variant (also known as c.6680G>T), located in coding exon 45 of the ATM gene, results from a G to T substitution at nucleotide position 6680. The arginine at codon 2227 is replaced by leucine, an amino acid with dissimilar properties. This variant has been identified in conjunction with another ATM variant in an individual who met clinical criteria for ataxia telangiectasia (Micol R et al. J Allergy Clin Immunol, 2011 Aug;128:382-9.e1). This amino acid position is highly conserved in available vertebrate species. In addition, this alteration is predicted to be deleterious by in silico analysis. Based on the available evidence, the clinical significance of this variant remains unclear.

Literature cited by the submitters: PubMed 21665257.